The following is an entry in ClinVar:

ClinVar aggregate classification (germline): Uncertain significance (1 of 4 stars; one submission).

Conditions:
Tuberous sclerosis 1 (TSC1). Identifiers: Orphanet 805, MedGen C1854465, MONDO:0008612, OMIM 191100.

gnomAD v4.1: 1 of 1,614,148 alleles (0.000062%); highest among the groups gnomAD compares: Non-Finnish European, 0.000085%; no homozygotes.

Submission:

Labcorp Genetics (formerly Invitae), Labcorp
Classification: Uncertain significance for Tuberous sclerosis 1. Last evaluated: 2025-06-18. Review status: criteria provided, single submitter. Criteria: Invitae Variant Classification Sherloc (09022015). Collection method: clinical testing. Allele origin: germline.
Comment: This sequence change replaces alanine, which is neutral and non-polar, with valine, which is neutral and non-polar, at codon 523 of the TSC1 protein (p.Ala523Val). This variant is not present in population databases (gnomAD no frequency). This variant has not been reported in the literature in individuals affected with TSC1-related conditions. Invitae Evidence Modeling of protein sequence and biophysical properties (such as structural, functional, and spatial information, amino acid conservation, physicochemical variation, residue mobility, and thermodynamic stability) indicates that this missense variant is not expected to disrupt TSC1 protein function with a negative predictive value of 95%. In summary, the available evidence is currently insufficient to determine the role of this variant in disease. Therefore, it has been classified as a Variant of Uncertain Significance.

NM_000368.5(TSC1):c.1568C>T (p.Ala523Val)

Gene: TSC1 (TSC complex subunit 1; minus strand). Cytogenetic location: 9q34.13.
Variant type: single nucleotide variant.
Coding change: c.1568C>T on transcript NM_000368.5 (MANE Select); coding-DNA position 1568, C replaced by T.
Protein change: p.Ala523Val; replaces alanine 523 with valine.
Molecular consequence: missense variant. On other transcripts: non-coding transcript variant (5).
Genome position (GRCh38, 1-based): chr9:132,906,010, G>A on the plus strand (C>T on the coding strand, the complement: TSC1 is on the minus strand). VCF-style: chr9-132906010-G-A. GRCh37 (hg19) VCF-style: chr9-135781397-G-A.
Other names: c.1202C>T, p.Ala401Val (NM_001406623.1, NM_001406625.1, NM_001406620.1 and 2 more transcripts); c.1205C>T, p.Ala402Val (NM_001406624.1, NM_001406614.1, NM_001406615.1 and 5 more transcripts); c.617C>T, p.Ala206Val (NM_001406626.1); c.614C>T, p.Ala205Val (NM_001406627.1, NM_001406628.1); c.515C>T, p.Ala172Val (NM_001406629.1, NM_001406630.1); c.1412C>T, p.Ala471Val (NM_001406613.1, NM_001406611.1, NM_001406612.1); c.1565C>T, p.Ala522Val (NM_001162426.2, NM_001406597.1, NM_001406598.1 and 6 more transcripts); c.1415C>T, p.Ala472Val (NM_001162427.2, NM_001406610.1); and 1 more; short protein forms A401V, A402V, A472V, A205V, A523V, A172V, A471V, A522V.
Identifiers: ClinVar variation 4709610 (VCV004709610.1).